The following is an entry in ClinVar:

ClinVar aggregate classification (germline): Uncertain significance (1 of 4 stars; one submission).

Allele frequency attached by ClinVar (database versions not stated): TOPMed below 0.00001; ExAC 0.00001; gnomAD 0.00001; gnomAD exomes 0.00001.
gnomAD v4.1: 23 of 1,613,102 alleles (0.0014%); highest among the groups gnomAD compares: Non-Finnish European, 0.0017%; no homozygotes.

Submission:

Labcorp Genetics (formerly Invitae), Labcorp
Classification: Uncertain significance. Last evaluated: 2024-04-03. Review status: criteria provided, single submitter. Criteria: Invitae Variant Classification Sherloc (09022015). Collection method: clinical testing. Allele origin: germline.
Comment: This sequence change replaces arginine, which is basic and polar, with histidine, which is basic and polar, at codon 276 of the COL9A3 protein (p.Arg276His). This variant is present in population databases (rs761668571, gnomAD 0.002%). This variant has not been reported in the literature in individuals affected with COL9A3-related conditions. ClinVar contains an entry for this variant (Variation ID: 1978973). Advanced modeling of protein sequence and biophysical properties (such as structural, functional, and spatial information, amino acid conservation, physicochemical variation, residue mobility, and thermodynamic stability) performed at Invitae indicates that this missense variant is not expected to disrupt COL9A3 protein function with a negative predictive value of 95%. In summary, the available evidence is currently insufficient to determine the role of this variant in disease. Therefore, it has been classified as a Variant of Uncertain Significance.

NM_001853.4(COL9A3):c.827G>A (p.Arg276His)

Gene: COL9A3 (collagen type IX alpha 3 chain; plus strand). Cytogenetic location: 20q13.33.
Variant type: single nucleotide variant.
Coding change: c.827G>A on transcript NM_001853.4 (MANE Select); coding-DNA position 827, G replaced by A.
Protein change: p.Arg276His; replaces arginine 276 with histidine.
Molecular consequence: missense variant.
Genome position (GRCh38, 1-based): chr20:62,827,275, G>A. VCF-style: chr20-62827275-G-A. GRCh37 (hg19) VCF-style: chr20-61458627-G-A.
Other names: short protein forms R276H.
Identifiers: ClinVar variation 1978973 (VCV001978973.4), dbSNP rs761668571, ClinGen allele CA9949535.
Genomic context (GRCh38, chr20:62,827,275, plus strand): 5'-TCCCTGCCCCACCTCATCCTTTCCAGGGTGACCGAGGCGAGAGGGGCCCAGAAGGGTTCC[G>A]CGGCCCCAAGGGTGACCTCGTAAGTGAGAGGGAAGTTGGTTCCCTGGGTCCTTATGTGGA-3'
Protein context (NP_001844.3, residues 266-286): DRGERGPEGF[Arg276His]GPKGDLGRPG